The following is an entry in ClinVar:

ClinVar aggregate classification (germline): Uncertain significance (1 of 4 stars; one submission).

Allele frequency attached by ClinVar (database versions not stated): gnomAD exomes below 0.00001; gnomAD 0.00001.

Submission:

GeneDx
Classification: Uncertain significance. Last evaluated: 2023-03-24. Review status: criteria provided, single submitter. Criteria: GeneDx Variant Classification Process June 2021. Collection method: clinical testing. Allele origin: germline. Affected: yes.
Comment: Not observed at significant frequency in large population cohorts (gnomAD); In-frame deletion of one amino acid in a non-repeat region; In silico analysis supports that this variant does not alter protein structure/function; Has not been previously published as pathogenic or benign to our knowledge

NM_014915.3(ANKRD26):c.4993_4995del (p.Lys1665del)

Gene: ANKRD26 (ankyrin repeat domain containing 26; minus strand). Cytogenetic location: 10p12.1.
Variant type: Deletion.
Coding change: c.4993_4995del on transcript NM_014915.3 (MANE Select); coding-DNA positions 4993 to 4995, 3 bases deleted (AAA; older notation c.4993_4995delAAA).
Protein change: p.Lys1665del; deletes lysine 1665.
Molecular consequence: inframe deletion. On other transcripts: inframe indel (1).
Genome position (GRCh38, 1-based): chr10:27,006,921-27,006,923, TTT deleted on the plus strand (AAA on the coding strand, the reverse complement: ANKRD26 is on the minus strand). VCF-style (leftmost placement, unchanged base first): chr10-27006920-CTTT-C. GRCh37 (hg19) VCF-style: chr10-27295849-CTTT-C.
Other names: c.4990_4992del, p.Lys1664del (NM_001256053.2); c.4993_4995delAAA, p.Lys1665del (NM_014915.2); short protein forms K1664del, K1665del.
Identifiers: ClinVar variation 2580662 (VCV002580662.1), dbSNP rs1164398448, ClinGen allele CA592373928.
Genomic context (GRCh38, chr10:27,006,920, plus strand): 5'-TTATTTCAGAAATCAATTAATTAATCTAAATTTAATTCATGAAGTTTGGCAACATACCTT[CTTT>C]GAGTTCTCTAGTTATATTTTTTTCCAACTCCTGCTGCATCTGAAAAAAGTCAAATGTTAT-3'